The following is an entry in ClinVar:

ClinVar aggregate classification (germline): Conflicting classifications of pathogenicity. Review status: criteria provided, conflicting classifications (1 of 4 stars). 2 submissions from 2 submitters: Likely pathogenic (1); Uncertain significance (1). Last evaluated 2024-10-04.

Conditions:
Neurodevelopmental disorder with or without early-onset generalized epilepsy. Identifiers: MedGen C5436914, MONDO:0030930, OMIM 619157.

Submissions (2):

Dubai Health Genomic Medicine Center, Dubai Health
Classification: Likely pathogenic for Neurodevelopmental disorder with or without early-onset generalized epilepsy. Last evaluated: 2024-10-04. Review status: criteria provided, single submitter. Criteria: ACMG Guidelines, 2015. Collection method: research. Allele origin: germline. Affected: yes.
Comment: PS2,PM2

Blueprint Genetics
Classification: Uncertain significance. Last evaluated: 2022-02-02. Review status: criteria provided, single submitter. Criteria: ACMG Guidelines, 2015. Collection method: clinical testing. Allele origin: germline.

NM_001385012.1(NBEA):c.7928G>A (p.Arg2643Gln)

Gene: NBEA (neurobeachin; plus strand). Cytogenetic location: 13q13.3.
Variant type: single nucleotide variant.
Coding change: c.7928G>A on transcript NM_001385012.1 (MANE Select); coding-DNA position 7928, G replaced by A.
Protein change: p.Arg2643Gln; replaces arginine 2643 with glutamine.
Molecular consequence: missense variant.
Genome position (GRCh38, 1-based): chr13:35,649,812, G>A. VCF-style: chr13-35649812-G-A. GRCh37 (hg19) VCF-style: chr13-36223949-G-A.
Other names: c.1244G>A, p.Arg415Gln (NM_001204197.3); c.7919G>A, p.Arg2640Gln (NM_001379245.1); c.7865G>A, p.Arg2622Gln (NM_015678.5); short protein forms R2622Q, R2640Q, R2643Q, R415Q.
Identifiers: ClinVar variation 3383992 (VCV003383992.2).